The following is an entry in ClinVar:

ClinVar aggregate classification (germline): Likely benign. Review status: criteria provided, single submitter (1 of 4 stars). 2 submissions from 2 submitters: Likely benign (1). 1 of the submissions does not count toward it. Last evaluated 2025-12-19.

Conditions:
SLC9A1-related disorder. Also called: SLC9A1-related condition.

Allele frequency attached by ClinVar (database versions not stated): gnomAD exomes 0.00010 and 0.00019; 1000 Genomes Project 30x 0.00016; 1000 Genomes Project 0.00020; ExAC 0.00020; gnomAD 0.00099 and 0.00106; TOPMed 0.00099; ESP Exome Variant Server 0.00123.
gnomAD v4.1: 309 of 1,609,920 alleles (0.019%); highest among the groups gnomAD compares: African/African-American, 0.36%; no homozygotes.

Submissions (2):

Labcorp Genetics (formerly Invitae), Labcorp
Classification: Likely benign. Last evaluated: 2025-12-19. Review status: criteria provided, single submitter. Criteria: Invitae Variant Classification Sherloc (09022015). Collection method: clinical testing. Allele origin: germline.

PreventionGenetics, part of Exact Sciences
Classification: Likely benign for SLC9A1-related condition. Last evaluated: 2024-03-12. Review status: no assertion criteria provided. Collection method: clinical testing. Allele origin: germline. Not counted in ClinVar's aggregate classification.
Comment: This variant is classified as likely benign based on ACMG/AMP sequence variant interpretation guidelines (Richards et al. 2015 PMID: 25741868, with internal and published modifications).

NM_003047.5(SLC9A1):c.1486-4C>G

Gene: SLC9A1 (solute carrier family 9 member A1; minus strand). Cytogenetic location: 1p36.11.
Variant type: single nucleotide variant.
Coding change: c.1486-4C>G on transcript NM_003047.5 (MANE Select); 4 bases into the intron before coding-DNA position 1486, C replaced by G.
Molecular consequence: intron variant.
Genome position (GRCh38, 1-based): chr1:27,103,316, G>C on the plus strand (C>G on the coding strand, the complement: SLC9A1 is on the minus strand). VCF-style: chr1-27103316-G-C. GRCh37 (hg19) VCF-style: chr1-27429807-G-C.
Identifiers: ClinVar variation 725555 (VCV000725555.9), dbSNP rs11577385, ClinGen allele CA711075.